The following is an entry in ClinVar:

NM_017763.6(RNF43):c.588T>C (p.Asp196=)

Gene: RNF43 (ring finger protein 43; minus strand). Cytogenetic location: 17q22.
Variant type: single nucleotide variant.
Coding change: c.588T>C on transcript NM_017763.6 (MANE Select); coding-DNA position 588, T replaced by C.
Protein change: p.Asp196=; no amino-acid change (aspartic acid 196 retained).
Molecular consequence: synonymous variant.
Genome position (GRCh38, 1-based): chr17:58,362,643, A>G on the plus strand (T>C on the coding strand, the complement: RNF43 is on the minus strand). VCF-style: chr17-58362643-A-G. GRCh37 (hg19) VCF-style: chr17-56440004-A-G.
Other names: c.588T>C, p.Asp196= (NM_001305544.3, NM_001438820.1, NM_001438821.1 and 1 more transcripts); c.207T>C, p.Asp69= (NM_001305545.2, NM_001437987.1).
Identifiers: ClinVar variation 4875787 (VCV004875787.1).

ClinVar aggregate classification (germline): Benign (1 of 4 stars; one submission).

Conditions:
Sessile serrated polyposis cancer syndrome (SSPCS). Identifiers: Orphanet 157798, MedGen C4310714, MONDO:0014919, OMIM 617108.

Submission:

Myriad Genetics, Inc.
Classification: Benign for Sessile serrated polyposis cancer syndrome. Last evaluated: 2026-06-30. Review status: criteria provided, single submitter. Criteria: Myriad Autosomal Dominant, Autosomal Recessive and X-Linked Classification Criteria (2023). Collection method: clinical testing. Allele origin: unknown.
Comment: This variant is considered benign. This variant is a silent/synonymous amino acid change and it is not expected to impact splicing.